The following is an entry in ClinVar:

NM_080871.4(ASB10):c.56C>G (p.Pro19Arg)

Gene: ASB10 (ankyrin repeat and SOCS box containing 10; minus strand). Cytogenetic location: 7q36.1.
Variant type: single nucleotide variant.
Coding change: c.56C>G on transcript NM_080871.4; coding-DNA position 56, C replaced by G.
Protein change: p.Pro19Arg; replaces proline 19 with arginine.
Molecular consequence: missense variant.
Genome position (GRCh38, 1-based): chr7:151,187,667, G>C on the plus strand (C>G on the coding strand, the complement: ASB10 is on the minus strand). VCF-style: chr7-151187667-G-C. GRCh37 (hg19) VCF-style: chr7-150884754-G-C.
Other names: short protein forms P19R.
Identifiers: ClinVar variation 99961 (VCV000099961.6), dbSNP rs104886463, ClinGen allele CA150500.

ClinVar aggregate classification (germline): Benign. Review status: criteria provided, multiple submitters, no conflicts (2 of 4 stars). 3 submissions from 3 submitters: Benign (2). 1 of the submissions does not count toward it. Last evaluated 2019-07-17.

Conditions:
Glaucoma 1, open angle, F (GLC1F). Identifiers: MedGen C1863926, OMIM 603383, MONDO:0011311.

Allele frequency attached by ClinVar (database versions not stated): ExAC 0.01429; gnomAD 0.01957 and 0.02102; 1000 Genomes Project 30x 0.02233; 1000 Genomes Project 0.02117; gnomAD exomes 0.00534; ESP Exome Variant Server 0.02234; TOPMed 0.02290.

Submissions (3):

GeneDx
Classification: Benign. Last evaluated: 2019-07-17. Review status: criteria provided, single submitter. Criteria: GeneDx Variant Classification Process June 2021. Collection method: clinical testing. Allele origin: germline. Affected: yes.
Comment: This variant is associated with the following publications: (PMID: 22798626)

Breakthrough Genomics
Classification: Benign. Review status: criteria provided, single submitter. Criteria: ACMG Guidelines, 2015. Collection method: not provided. Allele origin: germline. Inheritance: Autosomal dominant inheritance. Affected: yes.

Casey Eye Institute Glaucoma Genetics Lab 
No classification provided. Condition: Glaucoma 1, open angle, F. Review status: no classification provided. Collection method: not provided. Allele origin: somatic. Not counted in ClinVar's aggregate classification.